The following is an entry in ClinVar:

ClinVar aggregate classification (germline): Uncertain significance (1 of 4 stars; one submission).

Allele frequency attached by ClinVar (database versions not stated): gnomAD 0.00001; TOPMed 0.00001; ExAC 0.00002; gnomAD exomes 0.00002.
gnomAD v4.1: 31 of 1,613,806 alleles (0.0019%); highest among the groups gnomAD compares: Middle Eastern, 0.017%; 1 homozygote.

Submission:

Labcorp Genetics (formerly Invitae), Labcorp
Classification: Uncertain significance. Last evaluated: 2024-12-13. Review status: criteria provided, single submitter. Criteria: Invitae Variant Classification Sherloc (09022015). Collection method: clinical testing. Allele origin: germline.
Comment: This sequence change replaces glutamic acid, which is acidic and polar, with lysine, which is basic and polar, at codon 1610 of the MYO5B protein (p.Glu1610Lys). This variant is present in population databases (rs763549542, gnomAD 0.003%). This variant has not been reported in the literature in individuals affected with MYO5B-related conditions. ClinVar contains an entry for this variant (Variation ID: 2421036). Invitae Evidence Modeling of protein sequence and biophysical properties (such as structural, functional, and spatial information, amino acid conservation, physicochemical variation, residue mobility, and thermodynamic stability) indicates that this missense variant is not expected to disrupt MYO5B protein function with a negative predictive value of 80%. In summary, the available evidence is currently insufficient to determine the role of this variant in disease. Therefore, it has been classified as a Variant of Uncertain Significance.

NM_001080467.3(MYO5B):c.4828G>A (p.Glu1610Lys)

Genes: MYO5B (myosin VB; minus strand), SNHG22 (small nucleolar RNA host gene 22; plus strand). Cytogenetic location: 18q21.1.
Variant type: single nucleotide variant.
Coding change: c.4828G>A on transcript NM_001080467.3 (MANE Select); coding-DNA position 4828, G replaced by A.
Protein change: p.Glu1610Lys; replaces glutamic acid 1610 with lysine.
Molecular consequence: missense variant.
Genome position (GRCh38, 1-based): chr18:49,839,168, C>T on the plus strand (G>A on the coding strand, the complement: MYO5B is on the minus strand). VCF-style: chr18-49839168-C-T. GRCh37 (hg19) VCF-style: chr18-47365538-C-T.
Other names: short protein forms E1610K.
Identifiers: ClinVar variation 2421036 (VCV002421036.6), dbSNP rs763549542, ClinGen allele CA8960219.